The following is an entry in ClinVar:

NM_015268.4(DNAJC13):c.2685A>G (p.Arg895=)

Gene: DNAJC13 (DnaJ heat shock protein family (Hsp40) member C13; plus strand). Cytogenetic location: 3q22.1.
Variant type: single nucleotide variant.
Coding change: c.2685A>G on transcript NM_015268.4 (MANE Select); coding-DNA position 2685, A replaced by G.
Protein change: p.Arg895=; no amino-acid change (arginine 895 retained).
Molecular consequence: synonymous variant.
Genome position (GRCh38, 1-based): chr3:132,478,116, A>G. VCF-style: chr3-132478116-A-G. GRCh37 (hg19) VCF-style: chr3-132196960-A-G.
Other names: c.2700A>G, p.Arg900= (NM_001329126.2).
Identifiers: ClinVar variation 4082096 (VCV004082096.1).

ClinVar aggregate classification (germline): Uncertain significance (1 of 4 stars; one submission).

Conditions:
Parkinson disease, late-onset (PD). Also called: Susceptibility to Parkinson's Disease; PARKINSON DISEASE, LATE-ONSET, SUSCEPTIBILITY TO; Hereditary late onset Parkinson disease. Identifiers: Orphanet 411602, MedGen C3160718, MONDO:0008199, OMIM 168600.

gnomAD v4.1: 19 of 1,611,324 alleles (0.0012%); highest among the groups gnomAD compares: Admixed American, 0.0017%; no homozygotes.

Submission:

Institute of Human Genetics, University of Goettingen
Classification: Uncertain significance for Parkinson disease, late-onset. Last evaluated: 2024-12-17. Review status: criteria provided, single submitter. Criteria: ACMG Guidelines, 2015. Collection method: clinical testing. Allele origin: unknown. Inheritance: Autosomal dominant inheritance. Affected: yes. Observed: 1 heterozygote.
Comment: The variant c.2685A>G (p.(Arg895=)) in exon 24 of the DNAJC13-gene is found in the gnomAD database (Allele frequency: 0.00001179, GnomAD v4.1.0). It affects a weakly conserved nucleotide. The variation generates a 'Synonymous' as coding effect. Codon AGA changed to AGG. ACMG criteria used for classification: PM2_sup, PP3